The following is an entry in ClinVar:

ClinVar aggregate classification (germline): Uncertain significance. Review status: criteria provided, single submitter (1 of 4 stars). 2 submissions from 2 submitters: Uncertain significance (1). 1 of the submissions does not count toward it. Last evaluated 2020-12-26.

Conditions:
Alstrom syndrome (ALMS). Identifiers: Orphanet 64, MedGen C0268425, MONDO:0008763, OMIM 203800.

Allele frequency attached by ClinVar (database versions not stated): gnomAD exomes below 0.00001.

Submissions (2):

Labcorp Genetics (formerly Invitae), Labcorp
Classification: Uncertain significance for Alstrom syndrome. Last evaluated: 2020-12-26. Review status: criteria provided, single submitter. Criteria: Invitae Variant Classification Sherloc (09022015). Collection method: clinical testing. Allele origin: germline.
Comment: This sequence change replaces serine with glycine at codon 1049 of the ALMS1 protein (p.Ser1049Gly). The serine residue is weakly conserved and there is a small physicochemical difference between serine and glycine. In summary, the available evidence is currently insufficient to determine the role of this variant in disease. Therefore, it has been classified as a Variant of Uncertain Significance. Experimental studies and prediction algorithms are not available or were not evaluated, and the functional significance of this variant is currently unknown. This variant has not been reported in the literature in individuals with ALMS1-related conditions. This variant is not present in population databases (ExAC no frequency).

Natera, Inc.
Classification: Uncertain significance for Alstrom syndrome. Last evaluated: 2025-04-11. Review status: no assertion criteria provided. Collection method: clinical testing. Allele origin: germline. Not counted in ClinVar's aggregate classification.

NM_001378454.1(ALMS1):c.3142A>G (p.Ser1048Gly)

Gene: ALMS1 (ALMS1 centrosome and basal body associated protein; plus strand). Cytogenetic location: 2p13.1.
Variant type: single nucleotide variant.
Coding change: c.3142A>G on transcript NM_001378454.1 (MANE Select); coding-DNA position 3142, A replaced by G.
Protein change: p.Ser1048Gly; replaces serine 1048 with glycine.
Molecular consequence: missense variant.
Genome position (GRCh38, 1-based): chr2:73,449,669, A>G. VCF-style: chr2-73449669-A-G. GRCh37 (hg19) VCF-style: chr2-73676796-A-G.
Other names: c.3145A>G, p.Ser1049Gly (NM_015120.4); short protein forms S1048G, S1049G.
Identifiers: ClinVar variation 1439472 (VCV001439472.5), dbSNP rs2103777784, ClinGen allele CA347273955.
Genomic context (GRCh38, chr2:73,449,669, plus strand): 5'-AAAGTTTCAACTGGCCCTGGACCAGCTGACCAGAAGACTGAGATACCAGCAGTACAGTCT[A>G]GTTCTTACCCACAGAGGGAGAAGCCTAGTGTTTTGTACCCACAGGTGTTATCAGACAGTC-3'
Protein context (NP_001365383.1, residues 1038-1058): QKTEIPAVQS[Ser1048Gly]SYPQREKPSV